The following is an entry in ClinVar:

ClinVar aggregate classification (germline): Conflicting classifications of pathogenicity. Review status: criteria provided, conflicting classifications (1 of 4 stars). 2 submissions from 2 submitters: Uncertain significance (1); Likely benign (1). Last evaluated 2024-04-09.

Conditions:
Inborn genetic diseases. Identifiers: MedGen C0950123, MeSH D030342.

Allele frequency attached by ClinVar (database versions not stated): ExAC 0.00002; gnomAD exomes 0.00002; gnomAD 0.00003; TOPMed 0.00005.

Submissions (2):

Ambry Genetics
Classification: Likely benign for Inborn genetic diseases. Last evaluated: 2024-04-09. Review status: criteria provided, single submitter. Criteria: Ambry Variant Classification Scheme 2023. Collection method: clinical testing. Allele origin: germline.

GeneDx
Classification: Uncertain significance. Last evaluated: 2022-10-27. Review status: criteria provided, single submitter. Criteria: GeneDx Variant Classification Process June 2021. Collection method: clinical testing. Allele origin: germline. Affected: yes.
Comment: Not observed at significant frequency in large population cohorts (gnomAD); In silico analysis supports that this missense variant does not alter protein structure/function; Has not been previously published as pathogenic or benign to our knowledge

NM_016239.4(MYO15A):c.4907A>G (p.Gln1636Arg)

Gene: MYO15A (myosin XVA; plus strand). Cytogenetic location: 17p11.2.
Variant type: single nucleotide variant.
Coding change: c.4907A>G on transcript NM_016239.4 (MANE Select); coding-DNA position 4907, A replaced by G.
Protein change: p.Gln1636Arg; replaces glutamine 1636 with arginine.
Molecular consequence: missense variant.
Genome position (GRCh38, 1-based): chr17:18,138,146, A>G. VCF-style: chr17-18138146-A-G. GRCh37 (hg19) VCF-style: chr17-18041460-A-G.
Other names: short protein forms Q1636R.
Identifiers: ClinVar variation 2500476 (VCV002500476.2), dbSNP rs774354424, ClinGen allele CA8424083.